The following is an entry in ClinVar:

NM_033118.4(MYLK2):c.53-230G>A

Gene: MYLK2 (myosin light chain kinase 2; plus strand). Cytogenetic location: 20q11.21.
Variant type: single nucleotide variant.
Coding change: c.53-230G>A on transcript NM_033118.4 (MANE Select); 230 bases into the intron before coding-DNA position 53, G replaced by A.
Molecular consequence: intron variant.
Genome position (GRCh38, 1-based): chr20:31,819,896, G>A. VCF-style: chr20-31819896-G-A. GRCh37 (hg19) VCF-style: chr20-30407699-G-A.
Identifiers: ClinVar variation 678612 (VCV000678612.1), dbSNP rs1009454, ClinGen allele CA313849293.

ClinVar aggregate classification (germline): Benign (1 of 4 stars; one submission).

Allele frequency attached by ClinVar (database versions not stated): 1000 Genomes Project 0.07208; 1000 Genomes Project 30x 0.07339; gnomAD 0.08752 and 0.09138; TOPMed 0.09015.
gnomAD v4.1: 13,335 of 152,246 alleles (8.8%); highest among the groups gnomAD compares: African/African-American, 14%; 660 homozygotes.

Submission:

GeneDx
Classification: Benign. Last evaluated: 2018-06-19. Review status: criteria provided, single submitter. Criteria: GeneDx Variant Classification (06012015). Collection method: clinical testing. Allele origin: germline. Affected: yes.
Comment: This variant is considered likely benign or benign based on one or more of the following criteria: it is a conservative change, it occurs at a poorly conserved position in the protein, it is predicted to be benign by multiple in silico algorithms, and/or has population frequency not consistent with disease.